The following is an entry in ClinVar:

ClinVar aggregate classification (germline): Uncertain significance. Review status: criteria provided, single submitter (1 of 4 stars). 2 submissions from 2 submitters: Uncertain significance (1). 1 of the submissions does not count toward it. Last evaluated 2017-11-15.

Conditions:
Bardet-Biedl syndrome 10 (BBS10). Identifiers: Orphanet 110, MedGen C1859568, MONDO:0014438, OMIM 615987.

Submissions (2):

Women's Health and Genetics/Laboratory Corporation of America, LabCorp
Classification: Uncertain significance. Last evaluated: 2017-11-15. Review status: criteria provided, single submitter. Criteria: LabCorp Variant Classification Summary - May 2015. Collection method: clinical testing. Allele origin: germline.
Comment: Variant summary: The BBS10 c.1457A>T (p.Tyr486Phe) variant involves the alteration of a non-conserved nucleotide. 4/4 in silico tools predict a benign outcome for this variant (SNPsandGO not captured due to low reliability index). This variant was not found in 246038 control chromosomes. The variant of interest has not, to our knowledge, been reported in affected individuals via publications and/or reputable databases/clinical diagnostic laboratories; nor evaluated for functional impact by in vivo/vitro studies. Because of the absence of clinical information and the lack of functional studies, the variant is classified as a variant of uncertain significance (VUS) until additional information becomes available.

Natera, Inc.
Classification: Uncertain significance for Bardet-Biedl syndrome type 10. Last evaluated: 2020-10-06. Review status: no assertion criteria provided. Collection method: clinical testing. Allele origin: germline. Not counted in ClinVar's aggregate classification.

NM_024685.4(BBS10):c.1457A>T (p.Tyr486Phe)

Gene: BBS10 (Bardet-Biedl syndrome 10; minus strand). Cytogenetic location: 12q21.2.
Variant type: single nucleotide variant.
Coding change: c.1457A>T on transcript NM_024685.4 (MANE Select); coding-DNA position 1457, A replaced by T.
Protein change: p.Tyr486Phe; replaces tyrosine 486 with phenylalanine.
Molecular consequence: missense variant.
Genome position (GRCh38, 1-based): chr12:76,346,528, T>A on the plus strand (A>T on the coding strand, the complement: BBS10 is on the minus strand). VCF-style: chr12-76346528-T-A. GRCh37 (hg19) VCF-style: chr12-76740308-T-A.
Other names: c.1457A>T, p.Tyr486Phe (LRG_1255t1); short protein forms Y486F.
Identifiers: ClinVar variation 633077 (VCV000633077.2), dbSNP rs1429011304, ClinGen allele CA385811125.